The following is an entry in ClinVar:

NM_001034853.2(RPGR):c.1597A>G (p.Thr533Ala)

Gene: RPGR (retinitis pigmentosa GTPase regulator; minus strand). Cytogenetic location: Xp11.4.
Variant type: single nucleotide variant.
Coding change: c.1597A>G on transcript NM_001034853.2 (MANE Select); coding-DNA position 1597, A replaced by G.
Protein change: p.Thr533Ala; replaces threonine 533 with alanine.
Molecular consequence: missense variant. On other transcripts: non-coding transcript variant (1), intron variant (5).
Genome position (GRCh38, 1-based): chrX:38,288,017, T>C on the plus strand (A>G on the coding strand, the complement: RPGR is on the minus strand). VCF-style: chrX-38288017-T-C. GRCh37 (hg19) VCF-style: chrX-38147270-T-C.
Other names: c.1597A>G, p.Thr533Ala (NM_000328.3); c.1594A>G, p.Thr532Ala (NM_001367245.1); c.1411A>G, p.Thr471Ala (NM_001367246.1); c.1569+2942A>G (NM_001367249.1, NM_001367250.1); c.1386+2942A>G (NM_001367251.1); c.1572+2942A>G (NM_001367247.1); c.1602+2942A>G (NM_001367248.1); short protein forms T532A, T471A, T533A.
Identifiers: ClinVar variation 2797810 (VCV002797810.3), dbSNP rs2067220112, ClinGen allele CA412737487.

ClinVar aggregate classification (germline): Uncertain significance (1 of 4 stars; one submission).

Conditions:
Primary ciliary dyskinesia. Also called: Ciliary dyskinesia. Identifiers: Orphanet 244, MedGen C0008780, MONDO:0016575, HP:0012265.

Allele frequency attached by ClinVar (database versions not stated): TOPMed below 0.00001; gnomAD 0.00001.
gnomAD v4.1: 1 of 1,208,261 alleles (0.000083%); highest among the groups gnomAD compares: Non-Finnish European, 0.00011%; no homozygotes.

Submission:

Labcorp Genetics (formerly Invitae), Labcorp
Classification: Uncertain significance for Primary ciliary dyskinesia. Last evaluated: 2023-09-25. Review status: criteria provided, single submitter. Criteria: Invitae Variant Classification Sherloc (09022015). Collection method: clinical testing. Allele origin: germline.
Comment: This variant has not been reported in the literature in individuals affected with RPGR-related conditions. In summary, the available evidence is currently insufficient to determine the role of this variant in disease. Therefore, it has been classified as a Variant of Uncertain Significance. Advanced modeling of protein sequence and biophysical properties (such as structural, functional, and spatial information, amino acid conservation, physicochemical variation, residue mobility, and thermodynamic stability) performed at Invitae indicates that this missense variant is not expected to disrupt RPGR protein function. This variant is not present in population databases (gnomAD no frequency). This sequence change replaces threonine, which is neutral and polar, with alanine, which is neutral and non-polar, at codon 533 of the RPGR protein (p.Thr533Ala).